The following is an entry in ClinVar:

ClinVar aggregate classification (germline): Uncertain significance (1 of 4 stars; one submission).

gnomAD v4.1: 2 of 1,613,994 alleles (0.00012%); highest among the groups gnomAD compares: Non-Finnish European, 0.00017%; no homozygotes.

Submission:

Ambry Genetics
Classification: Uncertain significance. Last evaluated: 2025-06-09. Review status: criteria provided, single submitter. Criteria: Ambry Variant Classification Scheme 2023. Collection method: clinical testing. Allele origin: germline.
Comment: The p.N1103S variant (also known as c.3308A>G), located in coding exon 1 of the TET2 gene, results from an A to G substitution at nucleotide position 3308. The asparagine at codon 1103 is replaced by serine, an amino acid with highly similar properties. This amino acid position is conserved. In addition, this alteration is predicted to be tolerated by in silico analysis. Based on the available evidence, the clinical significance of this variant remains unclear.

NM_001127208.3(TET2):c.3308A>G (p.Asn1103Ser)

Genes: TET2 (tet methylcytosine dioxygenase 2; plus strand), TET2-AS1 (TET2 antisense RNA 1; minus strand). Cytogenetic location: 4q24.
Variant type: single nucleotide variant.
Coding change: c.3308A>G on transcript NM_001127208.3 (MANE Select); coding-DNA position 3308, A replaced by G.
Protein change: p.Asn1103Ser; replaces asparagine 1103 with serine.
Molecular consequence: missense variant.
Genome position (GRCh38, 1-based): chr4:105,237,250, A>G. VCF-style: chr4-105237250-A-G. GRCh37 (hg19) VCF-style: chr4-106158407-A-G.
Other names: c.3308A>G, p.Asn1103Ser (NM_017628.4); short protein forms N1103S.
Identifiers: ClinVar variation 3967706 (VCV003967706.1).